The following is an entry in ClinVar:

ClinVar aggregate classification (germline): Conflicting classifications of pathogenicity. Review status: criteria provided, conflicting classifications (1 of 4 stars). 4 submissions from 4 submitters: Uncertain significance (3); Likely benign (1). Last evaluated 2026-03-23.

Conditions:
X-linked Emery-Dreifuss muscular dystrophy. Also called: Muscular dystrophy, tardive Emery-Dreifuss type, with contractures. Identifiers: Orphanet 261, Orphanet 98863, MedGen C0751337, MONDO:0010680.
Cardiovascular phenotype. Identifiers: MedGen CN230736.

Allele frequency attached by ClinVar (database versions not stated): gnomAD exomes 0.00001 and 0.00002; ExAC 0.00001; gnomAD 0.00003; TOPMed 0.00001.
gnomAD v4.1: 15 of 1,203,042 alleles (0.0012%); highest among the groups gnomAD compares: Admixed American, 0.011%; no homozygotes.

Submissions (4):

Ambry Genetics
Classification: Uncertain significance for Cardiovascular phenotype. Last evaluated: 2026-03-23. Review status: criteria provided, single submitter. Criteria: Ambry Variant Classification Scheme 2023. Collection method: clinical testing. Allele origin: germline.

Labcorp Genetics (formerly Invitae), Labcorp
Classification: Likely benign for X-linked Emery-Dreifuss muscular dystrophy. Last evaluated: 2025-10-29. Review status: criteria provided, single submitter. Criteria: Invitae Variant Classification Sherloc (09022015). Collection method: clinical testing. Allele origin: germline.

Fulgent Genetics
Classification: Uncertain significance for Emery-Dreifuss muscular dystrophy 1, X-linked. Last evaluated: 2021-10-08. Review status: criteria provided, single submitter. Criteria: ACMG Guidelines, 2015. Collection method: clinical testing. Allele origin: unknown.

Institute Of Molecular Biology And Genetics, Federal Almazov National Medical Research Centre
Classification: Uncertain significance for Emery-Dreifuss muscular dystrophy 1, X-linked. Last evaluated: 2021-03-20. Review status: criteria provided, single submitter. Criteria: ACMG Guidelines, 2015. Collection method: clinical testing. Allele origin: unknown. Affected: yes. Observed: 1 variant allele.
Comment: ACMG: PM1, PM2, PP2, PP4

NM_000117.3(EMD):c.173C>T (p.Ser58Phe)

Gene: EMD (emerin; plus strand). Cytogenetic location: Xq28.
Variant type: single nucleotide variant.
Coding change: c.173C>T on transcript NM_000117.3 (MANE Select); coding-DNA position 173, C replaced by T.
Protein change: p.Ser58Phe; replaces serine 58 with phenylalanine.
Molecular consequence: missense variant.
Genome position (GRCh38, 1-based): chrX:154,379,780, C>T. VCF-style: chrX-154379780-C-T. GRCh37 (hg19) VCF-style: chrX-153608140-C-T.
Other names: c.173C>T (NM_000117.2); short protein forms S58F.
Identifiers: ClinVar variation 1048788 (VCV001048788.12), dbSNP rs781797234, ClinGen allele CA10561522.